The following is an entry in ClinVar:

NM_021008.4(DEAF1):c.1346_1347del (p.Glu449fs)

Genes: DEAF1 (DEAF1 transcription factor; minus strand), LOC126861109 (BRD4-independent group 4 enhancer GRCh37_chr11:673917-675116; plus strand). Cytogenetic location: 11p15.5.
Variant type: Microsatellite.
Coding change: c.1346_1347del on transcript NM_021008.4 (MANE Select); coding-DNA positions 1346 to 1347, 2 bases deleted (AG; older notation c.1346_1347delAG).
Protein change: p.Glu449fs; shifts the reading frame from glutamic acid 449.
Molecular consequence: frameshift variant.
Genome position (GRCh38, 1-based): chr11:674,692-674,693, CT deleted on the plus strand (AG on the coding strand, the reverse complement: DEAF1 is on the minus strand); deleting any 2 consecutive bases within chr11:674,692-674,695 gives the same sequence; the c. name uses the placement nearest the transcript's 3' end. VCF-style (leftmost placement, unchanged base first): chr11-674691-GCT-G. GRCh37 (hg19) VCF-style: chr11-674691-GCT-G.
Other names: c.1077_1078AG[1], p.Glu360Alafs (NM_001293634.2); c.620_621del, p.Glu207fs (NM_001367390.1); short protein forms E360fs, E207fs, E449fs.
Identifiers: ClinVar variation 3641570 (VCV003641570.2).

ClinVar aggregate classification (germline): Pathogenic (1 of 4 stars; one submission).

Submission:

Labcorp Genetics (formerly Invitae), Labcorp
Classification: Pathogenic. Last evaluated: 2024-02-17. Review status: criteria provided, single submitter. Criteria: Invitae Variant Classification Sherloc (09022015). Collection method: clinical testing. Allele origin: germline.
Comment: This sequence change creates a premature translational stop signal (p.Glu449Alafs*26) in the DEAF1 gene. It is expected to result in an absent or disrupted protein product. Loss-of-function variants in DEAF1 are known to be pathogenic (PMID: 30923367). This variant is not present in population databases (gnomAD no frequency). This variant has not been reported in the literature in individuals affected with DEAF1-related conditions. For these reasons, this variant has been classified as Pathogenic.

Literature cited by the submitters: PubMed 30923367.